The following is an entry in ClinVar:

NC_000023.11:g.(?_31679355)_(31774212_?)del

Gene: DMD (dystrophin; minus strand). Cytogenetic location: Xp21.1.
Variant type: Deletion.
Identifiers: ClinVar variation 660142 (VCV000660142.2).

ClinVar aggregate classification (germline): Pathogenic (1 of 4 stars; one submission).

Conditions:
Duchenne muscular dystrophy (DMD). Also called: MUSCULAR DYSTROPHY, PSEUDOHYPERTROPHIC PROGRESSIVE, DUCHENNE TYPE; Duchenne Muscular Dystrophy (DMD). Identifiers: Orphanet 98896, MedGen C0013264, MONDO:0010679, OMIM 310200.

Submission:

Labcorp Genetics (formerly Invitae), Labcorp
Classification: Pathogenic for Duchenne muscular dystrophy. Last evaluated: 2022-10-28. Review status: criteria provided, single submitter. Criteria: Invitae Variant Classification Sherloc (09022015). Collection method: clinical testing. Allele origin: germline.
Comment: This variant is a gross deletion of the genomic region encompassing exon(s) 51-53 of the DMD gene. This deletion is out-of-frame, and is expected to create a premature termination codon and result in an absent or disrupted protein product. Loss-of-function variants in DMD are known to be pathogenic (PMID: 16770791, 25007885). A similar copy number variant has been observed in individuals with DMD-related dystrophinopathies (PMID: 11409318, 18663755, 22090376, 23299919, 24099565). For these reasons, this variant has been classified as Pathogenic.

Literature cited by the submitters: PubMed 16770791; PubMed 25007885; PubMed 11409318; PubMed 18663755; PubMed 22090376; PubMed 23299919; PubMed 24099565.